The following is an entry in ClinVar:

ClinVar aggregate classification (germline): Uncertain significance (1 of 4 stars; one submission).

Conditions:
Dystonia 30. Identifiers: MedGen C5543312, MONDO:0025691, OMIM 619291.

Allele frequency attached by ClinVar (database versions not stated): gnomAD exomes below 0.00001; TOPMed 0.00002.
gnomAD v4.1: 1 of 1,614,060 alleles (0.000062%); highest among the groups gnomAD compares: Non-Finnish European, 0.000085%; no homozygotes.

Submission:

3billion
Classification: Uncertain significance for Dystonia 30. Last evaluated: 2022-05-22. Review status: criteria provided, single submitter. Criteria: ACMG Guidelines, 2015. Collection method: clinical testing. Allele origin: germline. Affected: yes. Observed: 1 heterozygote.
Comment: The variant is not observed in the gnomAD v2.1.1 dataset. In silico tools predict the variant to alter splicing and produce an abnormal transcript (SpliceAI: 0.99). Therefore, this variant is classified as uncertain significanceaccording to the recommendation of ACMG/AMP guideline.

NM_022575.4(VPS16):c.2005-10G>A

Genes: PTPRA (protein tyrosine phosphatase receptor type A; plus strand), VPS16 (VPS16 core subunit of CORVET and HOPS complexes; plus strand). Cytogenetic location: 20p13.
Variant type: single nucleotide variant.
Coding change: c.2005-10G>A on transcript NM_022575.4 (MANE Select); 10 bases into the intron before coding-DNA position 2005, G replaced by A.
Molecular consequence: intron variant.
Genome position (GRCh38, 1-based): chr20:2,865,138, G>A. VCF-style: chr20-2865138-G-A. GRCh37 (hg19) VCF-style: chr20-2845784-G-A.
Other names: c.1573-10G>A (NM_080413.3); c.-298-10G>A (NM_002836.4).
Identifiers: ClinVar variation 1687303 (VCV001687303.2), dbSNP rs1327771245, ClinGen allele CA742808496.
Genomic context (GRCh38, chr20:2,865,138, plus strand): 5'-AGCCTCCTCGTCTCCTGGTCTTCCCTCCTGGTCCCTCATCCCCATCATGCCTCATTATCC[G>A]GGTCCCCAGGCTACAGAGGATCAAATGCGGCTCCTACGGCTGCAGCGGCGCCTAGAAGAC-3'